The following is an entry in ClinVar:

NM_201384.3(PLEC):c.4221G>A (p.Ala1407=)

Gene: PLEC (plectin; minus strand). Cytogenetic location: 8q24.3.
Variant type: single nucleotide variant.
Coding change: c.4221G>A on transcript NM_201384.3 (MANE Select); coding-DNA position 4221, G replaced by A.
Protein change: p.Ala1407=; no amino-acid change (alanine 1407 retained).
Molecular consequence: synonymous variant.
Genome position (GRCh38, 1-based): chr8:143,925,708, C>T on the plus strand (G>A on the coding strand, the complement: PLEC is on the minus strand). VCF-style: chr8-143925708-C-T. GRCh37 (hg19) VCF-style: chr8-144999876-C-T.
Other names: c.4302G>A, p.Ala1434= (NM_000445.5); c.4179G>A, p.Ala1393= (NM_201378.4); c.4155G>A, p.Ala1385= (NM_201379.3); c.4632G>A, p.Ala1544= (NM_201380.4); c.4125G>A, p.Ala1375= (NM_201381.3); c.4221G>A, p.Ala1407= (NM_201382.4); c.4233G>A, p.Ala1411= (NM_201383.3).
Identifiers: ClinVar variation 448069 (VCV000448069.16), dbSNP rs185790521, ClinGen allele CA4926733.

ClinVar aggregate classification (germline): Benign/Likely benign. Review status: criteria provided, multiple submitters, no conflicts (2 of 4 stars). 5 submissions from 5 submitters: Benign (2); Likely benign (3). Last evaluated 2026-01-21.

Conditions:
PLEC-related disorder. Also called: PLEC-related disorders; PLEC-related condition.
Autosomal recessive limb-girdle muscular dystrophy type 2Q (LGMDR17). Also called: MUSCULAR DYSTROPHY, LIMB-GIRDLE, AUTOSOMAL RECESSIVE 17. Identifiers: Orphanet 254361, MedGen C3150989, MONDO:0013390, OMIM 613723.
Epidermolysis bullosa simplex with nail dystrophy (EBS5D). Identifiers: MedGen C4225309, MONDO:0014661, OMIM 616487.
Epidermolysis bullosa simplex 5C, with pyloric atresia (EBS5C). Also called: PLEC-Related Epidermolysis Bullosa with Pyloric Atresia; Epidermolysis bullosa simplex with pyloric atresia; PLEC1-Related Epidermolysis Bullosa with Pyloric Atresia. Identifiers: Orphanet 158684, MedGen C2677349, MONDO:0012807, OMIM 612138.
Epidermolysis bullosa simplex, Ogna type (EBS5A). Also called: Pidermolysis bullosa simplex 5A, Ogna type; EPIDERMOLYSIS BULLOSA SIMPLEX 5A, OGNA TYPE. Identifiers: Orphanet 79401, MedGen C0432317, MONDO:0007555, OMIM 131950.
Epidermolysis bullosa simplex 5B, with muscular dystrophy (EBS5B). Also called: EPIDERMOLYSIS BULLOSA SIMPLEX AND LIMB-GIRDLE MUSCULAR DYSTROPHY; Epidermolysis bullosa simplex with muscular dystrophy. Identifiers: Orphanet 257, MedGen C2931072, MONDO:0009181, OMIM 226670.

Allele frequency attached by ClinVar (database versions not stated): gnomAD 0.00037 and 0.00025; TOPMed 0.00053; gnomAD exomes 0.00095 and 0.00030; ExAC 0.00117; 1000 Genomes Project 0.00180; 1000 Genomes Project 30x 0.00187.
gnomAD v4.1: 492 of 1,592,372 alleles (0.031%); highest among the groups gnomAD compares: East Asian, 0.8%; 2 homozygotes.

Submissions (5):

Labcorp Genetics (formerly Invitae), Labcorp
Classification: Benign for Autosomal recessive limb-girdle muscular dystrophy type 2Q; Epidermolysis bullosa simplex, Ogna type; Epidermolysis bullosa simplex with nail dystrophy; Epidermolysis bullosa simplex 5C, with pyloric atresia; Epidermolysis bullosa simplex 5B, with muscular dystrophy. Last evaluated: 2026-01-21. Review status: criteria provided, single submitter. Criteria: Invitae Variant Classification Sherloc (09022015). Collection method: clinical testing. Allele origin: germline.

PreventionGenetics, part of Exact Sciences
Classification: Likely benign for PLEC-related condition. Last evaluated: 2024-12-30. Review status: criteria provided, single submitter. Criteria: ACMG Guidelines, 2015. Collection method: clinical testing. Allele origin: germline.
Comment: This variant is classified as likely benign based on ACMG/AMP sequence variant interpretation guidelines (Richards et al. 2015 PMID: 25741868, with internal and published modifications).

Blueprint Genetics
Classification: Likely benign. Last evaluated: 2024-10-30. Review status: criteria provided, single submitter. Criteria: ACMG Guidelines, 2015. Collection method: clinical testing. Allele origin: germline.

Athena Diagnostics
Classification: Benign. Last evaluated: 2017-03-15. Review status: criteria provided, single submitter. Criteria: Athena Diagnostics Criteria. Collection method: clinical testing. Allele origin: germline.

GeneDx
Classification: Likely benign. Last evaluated: 2017-01-31. Review status: criteria provided, single submitter. Criteria: GeneDx Variant Classification (06012015). Collection method: clinical testing. Allele origin: germline. Affected: yes.
Comment: This variant is considered likely benign or benign based on one or more of the following criteria: it is a conservative change, it occurs at a poorly conserved position in the protein, it is predicted to be benign by multiple in silico algorithms, and/or has population frequency not consistent with disease.